The following is an entry in ClinVar:

NM_001303256.3(MORC2):c.2352C>T (p.Asp784=)

Gene: MORC2 (MORC family CW-type zinc finger 2; minus strand). Cytogenetic location: 22q12.2.
Variant type: single nucleotide variant.
Coding change: c.2352C>T on transcript NM_001303256.3 (MANE Select); coding-DNA position 2352, C replaced by T.
Protein change: p.Asp784=; no amino-acid change (aspartic acid 784 retained).
Molecular consequence: synonymous variant.
Genome position (GRCh38, 1-based): chr22:30,933,494, G>A on the plus strand (C>T on the coding strand, the complement: MORC2 is on the minus strand). VCF-style: chr22-30933494-G-A. GRCh37 (hg19) VCF-style: chr22-31329481-G-A.
Other names: c.2352C>T, p.Asp784= (NM_001303257.2); c.2166C>T, p.Asp722= (NM_014941.3).
Identifiers: ClinVar variation 2045245 (VCV002045245.28), dbSNP rs374524410, ClinGen allele CA323270057.
Genomic context (GRCh38, chr22:30,933,494, plus strand): 5'-CCACAGGCTGCCAAGTCACTCCCCCAGCTCACCTTTCTGAGCTCTCTTGAGGTCAGCCGA[G>A]TCCTCTTCCCCAGCACTGTCTGAGAGCTGCGTGGAGAGCAGTCTATTAGAGGCATCCCCA-3'
Protein context (NP_001290185.1, residues 774-794): NELSDSAGEE[Asp784=]SADLKRAQKD

ClinVar aggregate classification (germline): Likely benign. Review status: criteria provided, multiple submitters, no conflicts (2 of 4 stars). 2 submissions from 2 submitters: Likely benign (2). Last evaluated 2025-03-31.

Conditions:
Charcot-Marie-Tooth disease axonal type 2Z. Also called: CHARCOT-MARIE-TOOTH DISEASE, AXONAL, AUTOSOMAL DOMINANT, TYPE 2Z; CHARCOT-MARIE-TOOTH NEUROPATHY, TYPE 2Z. Identifiers: Orphanet 466768, MedGen C5569025, MONDO:0014736, OMIM 616688.

Allele frequency attached by ClinVar (database versions not stated): gnomAD 0.00001; gnomAD exomes 0.00001; TOPMed 0.00001; ESP Exome Variant Server 0.00008.
gnomAD v4.1: 18 of 1,613,706 alleles (0.0011%); highest among the groups gnomAD compares: Non-Finnish European, 0.0014%; no homozygotes.

Submissions (2):

Labcorp Genetics (formerly Invitae), Labcorp
Classification: Likely benign for Charcot-Marie-Tooth disease axonal type 2Z. Last evaluated: 2025-03-31. Review status: criteria provided, single submitter. Criteria: Invitae Variant Classification Sherloc (09022015). Collection method: clinical testing. Allele origin: germline.

CeGaT Center for Human Genetics Tuebingen
Classification: Likely benign. Last evaluated: 2022-07-01. Review status: criteria provided, single submitter. Criteria: CeGaT Center For Human Genetics Tuebingen Variant Classification Criteria Version 2. Collection method: clinical testing. Allele origin: germline. Affected: yes. Observed: 1 variant allele.
Comment: MORC2: BP4, BP7